The following is an entry in ClinVar:

ClinVar aggregate classification (germline): Likely benign (1 of 4 stars; one submission).

Allele frequency attached by ClinVar (database versions not stated): gnomAD exomes below 0.00001.
gnomAD v4.1: 1 of 1,209,042 alleles (0.000083%); highest among the groups gnomAD compares: Non-Finnish European, 0.00011%; no homozygotes.

Submission:

GeneDx
Classification: Likely benign. Last evaluated: 2016-02-22. Review status: criteria provided, single submitter. Criteria: GeneDx Variant Classification (06012015). Collection method: clinical testing. Allele origin: germline. Affected: yes.
Comment: This variant is considered likely benign or benign based on one or more of the following criteria: it is a conservative change, it occurs at a poorly conserved position in the protein, it is predicted to be benign by multiple in silico algorithms, and/or has population frequency not consistent with disease.

NM_005120.3(MED12):c.2056-20C>T

Gene: MED12 (mediator complex subunit 12; plus strand). Cytogenetic location: Xq13.1.
Variant type: single nucleotide variant.
Coding change: c.2056-20C>T on transcript NM_005120.3 (MANE Select); 20 bases into the intron before coding-DNA position 2056, C replaced by T.
Molecular consequence: intron variant.
Genome position (GRCh38, 1-based): chrX:71,124,956, C>T. VCF-style: chrX-71124956-C-T. GRCh37 (hg19) VCF-style: chrX-70344806-C-T.
Identifiers: ClinVar variation 384047 (VCV000384047.1), dbSNP rs1057521831, ClinGen allele CA16608910.
Genomic context (GRCh38, chrX:71,124,956, plus strand): 5'-ATGCCTGCTTTTGGCATGTTTTTTTGCCCCCTCATCCACTTTCCTTCTTCTCATGTTCTG[C>T]TTTCTCACCTTTCTCTCAGTTGTTCTCCCCTACTATGCCCTGTGAGGGGAAGGGCAGTCC-3'